The following is an entry in ClinVar:

NM_001103.4(ACTN2):c.1263G>A (p.Glu421=)

Gene: ACTN2 (actinin alpha 2; plus strand). Cytogenetic location: 1q43.
Variant type: single nucleotide variant.
Coding change: c.1263G>A on transcript NM_001103.4 (MANE Select); coding-DNA position 1263, G replaced by A.
Protein change: p.Glu421=; no amino-acid change (glutamic acid 421 retained).
Molecular consequence: synonymous variant.
Genome position (GRCh38, 1-based): chr1:236,744,633, G>A. VCF-style: chr1-236744633-G-A. GRCh37 (hg19) VCF-style: chr1-236907933-G-A.
Other names: c.1263G>A, p.Glu421= (NM_001278343.2); c.639G>A, p.Glu213= (NM_001278344.2).
Identifiers: ClinVar variation 391278 (VCV000391278.12), dbSNP rs572642643, ClinGen allele CA1473104.

ClinVar aggregate classification (germline): Likely benign. Review status: criteria provided, multiple submitters, no conflicts (2 of 4 stars). 2 submissions from 2 submitters: Likely benign (2). Last evaluated 2023-08-18.

Conditions:
Dilated cardiomyopathy 1AA (CMD1AA). Also called: Cardiomyopathy, dilated, 1AA, with or without LVNC; CARDIOMYOPATHY, DILATED, 1AA, WITH OR WITHOUT LEFT VENTRICULAR NONCOMPACTION; CARDIOMYOPATHY, FAMILIAL HYPERTROPHIC, 23, WITH OR WITHOUT LEFT VENTRICULAR NONCOMPACTION. Identifiers: Orphanet 154, MedGen C2677338, MONDO:0012808, OMIM 612158.
Primary familial hypertrophic cardiomyopathy (HCM). Identifiers: Orphanet 99739, MedGen C0949658, MeSH D024741, MONDO:0024573. Inheritance: Various modes of inheritance.

Allele frequency attached by ClinVar (database versions not stated): gnomAD exomes below 0.00001 and 0.00001; gnomAD 0.00001; ExAC 0.00002; TOPMed 0.00002; 1000 Genomes Project 30x 0.00016; 1000 Genomes Project 0.00020.
gnomAD v4.1: 8 of 1,614,170 alleles (0.0005%); highest among the groups gnomAD compares: East Asian, 0.0089%; no homozygotes.

Submissions (2):

Labcorp Genetics (formerly Invitae), Labcorp
Classification: Likely benign for Primary familial hypertrophic cardiomyopathy; Dilated cardiomyopathy 1AA. Last evaluated: 2023-08-18. Review status: criteria provided, single submitter. Criteria: Invitae Variant Classification Sherloc (09022015). Collection method: clinical testing. Allele origin: germline.

GeneDx
Classification: Likely benign. Last evaluated: 2016-11-30. Review status: criteria provided, single submitter. Criteria: GeneDx Variant Classification (06012015). Collection method: clinical testing. Allele origin: germline. Affected: yes.
Comment: This variant is considered likely benign or benign based on one or more of the following criteria: it is a conservative change, it occurs at a poorly conserved position in the protein, it is predicted to be benign by multiple in silico algorithms, and/or has population frequency not consistent with disease.